The following is an entry in ClinVar:

NC_000023.10:g.(?_9728737)_(9728886_?)del

Gene: GPR143 (G protein-coupled receptor 143; minus strand). Cytogenetic location: Xp22.2.
Variant type: Deletion.
Identifiers: ClinVar variation 2422763 (VCV002422763.4).

ClinVar aggregate classification (germline): Pathogenic (1 of 4 stars; one submission).

Submission:

Labcorp Genetics (formerly Invitae), Labcorp
Classification: Pathogenic. Last evaluated: 2022-07-27. Review status: criteria provided, single submitter. Criteria: Invitae Variant Classification Sherloc (09022015). Collection method: clinical testing. Allele origin: germline.
Comment: For these reasons, this variant has been classified as Pathogenic. A similar copy number variant has been observed in individual(s) with oculocutaneous albinism (PMID: 9529334, 9887374, 19604113, 27734839). This variant is a gross deletion of the genomic region encompassing exon(s) 2 of the GPR143 gene. This deletion is out-of-frame, and is expected to create a premature termination codon and result in an absent or disrupted protein product. Loss-of-function variants in GPR143 are known to be pathogenic (PMID: 15965158, 18978956, 19390656, 21541274, 26160353, 28211458).

Literature cited by the submitters: PubMed 9529334; PubMed 9887374; PubMed 19604113; PubMed 27734839; PubMed 15965158; PubMed 18978956; PubMed 19390656; PubMed 21541274; PubMed 26160353; PubMed 28211458.